The following is an entry in ClinVar:

NM_001005242.3(PKP2):c.1867G>T (p.Glu623Ter)

Gene: PKP2 (plakophilin 2; minus strand). Cytogenetic location: 12p11.21.
Variant type: single nucleotide variant.
Coding change: c.1867G>T on transcript NM_001005242.3 (MANE Select); coding-DNA position 1867, G replaced by T.
Protein change: p.Glu623Ter; replaces glutamic acid 623 with a stop codon.
Molecular consequence: nonsense.
Genome position (GRCh38, 1-based): chr12:32,821,502, C>A on the plus strand (G>T on the coding strand, the complement: PKP2 is on the minus strand). VCF-style: chr12-32821502-C-A. GRCh37 (hg19) VCF-style: chr12-32974436-C-A.
Other names: c.1999G>T, p.Glu667Ter (NM_004572.4); short protein forms E667*, E623*.
Identifiers: ClinVar variation 45054 (VCV000045054.5), dbSNP rs397517015, ClinGen allele CA011616.

ClinVar aggregate classification (germline): Pathogenic (1 of 4 stars; one submission).

Conditions:
Arrhythmogenic right ventricular cardiomyopathy (ARVD). Also called: Arrhythmogenic right ventricular dysplasia; Arrhythmogenic cardiomyopathy; Arrhythmogenic Right Ventricular Cardiomyopathy (ARVC); Cardiomyopathy, ARVC. Identifiers: Orphanet 247, MedGen C0349788, MeSH D019571, MONDO:0016587. Disease mechanism: loss of function. Inheritance: Various modes of inheritance.

Allele frequency attached by ClinVar (database versions not stated): gnomAD exomes below 0.00001.
gnomAD v4.1: 5 of 1,614,018 alleles (0.00031%); highest among the groups gnomAD compares: Non-Finnish European, 0.00042%; no homozygotes.

Submission:

Laboratory for Molecular Medicine, Mass General Brigham Personalized Medicine
Classification: Pathogenic for Arrhythmogenic right ventricular cardiomyopathy. Last evaluated: 2010-05-06. Review status: criteria provided, single submitter. Criteria: LMM Criteria. Collection method: clinical testing. Allele origin: germline. Observed: 1 variant allele.
Comment: The Glu667X variant has not been reported in the literature. It leads to a prema ture stop at codon 667, which is predicted to lead to a truncated or absent prot ein. The severity nature of the change combined with the fact that pathogenic no nsense variants are very common in the PKP2 gene makes it highly likely that the Glu667X variant is pathogenic.